The following is an entry in ClinVar:

NM_000256.3(MYBPC3):c.1558G>A (p.Glu520Lys)

Gene: MYBPC3 (myosin binding protein C3; minus strand). Cytogenetic location: 11p11.2.
Variant type: single nucleotide variant.
Coding change: c.1558G>A on transcript NM_000256.3 (MANE Select); coding-DNA position 1558, G replaced by A.
Protein change: p.Glu520Lys; replaces glutamic acid 520 with lysine.
Molecular consequence: missense variant.
Genome position (GRCh38, 1-based): chr11:47,342,644, C>T on the plus strand (G>A on the coding strand, the complement: MYBPC3 is on the minus strand). VCF-style: chr11-47342644-C-T. GRCh37 (hg19) VCF-style: chr11-47364195-C-T.
Other names: short protein forms E520K.
Identifiers: ClinVar variation 4860510 (VCV004860510.1).
Genomic context (GRCh38, chr11:47,342,644, plus strand): 5'-CAATGAGCTCAGCCAGCGCCTGGCCCCCGCTAGTGCACAGTGCATAGTGCCCCGCGTCCT[C>T]CAGCATGGCCTCGTTGATGATCAGGTGGTGTCTCTGCCCGTCCTTCTTGAACCGGTATTT-3'
Protein context (NP_000247.2, residues 510-530): HHLIINEAML[Glu520Lys]DAGHYALCTS

ClinVar aggregate classification (germline): Uncertain significance (1 of 4 stars; one submission).

Conditions:
Cardiovascular phenotype. Identifiers: MedGen CN230736.

Submission:

Ambry Genetics
Classification: Uncertain significance for Cardiovascular phenotype. Last evaluated: 2026-06-11. Review status: criteria provided, single submitter. Criteria: Ambry Variant Classification Scheme 2023. Collection method: clinical testing. Allele origin: germline.
Comment: The p.E520K variant (also known as c.1558G>A), located in coding exon 17 of the MYBPC3 gene, results from a G to A substitution at nucleotide position 1558. The glutamic acid at codon 520 is replaced by lysine, an amino acid with similar properties. This amino acid position is highly conserved in available vertebrate species. In addition, this alteration is predicted to be deleterious by in silico analysis. Based on the available evidence, the clinical significance of this variant remains unclear.